The following is an entry in ClinVar:

ClinVar aggregate classification (germline): Uncertain significance (1 of 4 stars; one submission).

Submission:

Women's Health and Genetics/Laboratory Corporation of America, LabCorp
Classification: Uncertain significance. Last evaluated: 2026-03-05. Review status: criteria provided, single submitter. Criteria: LabCorp Variant Classification Summary - May 2015. Collection method: clinical testing. Allele origin: germline.
Comment: Variant summary: TTN c.35534C>G (p.Pro11845Arg) results in a non-conservative amino acid change in the encoded protein sequence. Algorithms developed to predict the effect of missense changes on protein structure and function are either unavailable or do not agree on the potential impact of this missense change. The variant was absent in 247678 control chromosomes. The available data on variant occurrences in the general population are insufficient to allow any conclusion about variant significance. To our knowledge, no occurrence of c.35534C>G in individuals affected with TTN-related conditions and no experimental evidence demonstrating its impact on protein function have been reported. No submitters have cited clinical-significance assessments for this variant to ClinVar. Based on the evidence outlined above, the variant was classified as uncertain significance.

NM_001267550.2(TTN):c.43238C>G (p.Pro14413Arg)

Gene: TTN (titin; minus strand). Cytogenetic location: 2q31.2.
Variant type: single nucleotide variant.
Coding change: c.43238C>G on transcript NM_001267550.2 (MANE Select); coding-DNA position 43238, C replaced by G.
Protein change: p.Pro14413Arg; replaces proline 14413 with arginine.
Molecular consequence: missense variant.
Genome position (GRCh38, 1-based): chr2:178,632,768, G>C on the plus strand (C>G on the coding strand, the complement: TTN is on the minus strand). VCF-style: chr2-178632768-G-C. GRCh37 (hg19) VCF-style: chr2-179497495-G-C.
Other names: c.38315C>G, p.Pro12772Arg (NM_001256850.1); c.16043C>G, p.Pro5348Arg (NM_003319.4); c.35534C>G, p.Pro11845Arg (NM_133378.4); c.16418C>G, p.Pro5473Arg (NM_133432.3); c.16619C>G, p.Pro5540Arg (NM_133437.4); short protein forms P11845R, P12772R, P14413R, P5348R, P5473R, P5540R.
Identifiers: ClinVar variation 4847457 (VCV004847457.1).